The following is an entry in ClinVar:

ClinVar aggregate classification (germline): Benign. Review status: criteria provided, multiple submitters, no conflicts (2 of 4 stars). 2 submissions from 2 submitters: Benign (2). Last evaluated 2018-06-19.

Allele frequency attached by ClinVar (database versions not stated): 1000 Genomes Project 30x 0.60197; 1000 Genomes Project 0.60903; TOPMed 0.62370; gnomAD 0.64324 and 0.65432; gnomAD exomes 0.78025.
gnomAD v4.1: 180,078 of 255,408 alleles (71%); highest among the groups gnomAD compares: South Asian, 85%; 69,555 homozygotes.

Submissions (2):

GeneDx
Classification: Benign. Last evaluated: 2018-06-19. Review status: criteria provided, single submitter. Criteria: GeneDx Variant Classification (06012015). Collection method: clinical testing. Allele origin: germline. Affected: yes.
Comment: This variant is considered likely benign or benign based on one or more of the following criteria: it is a conservative change, it occurs at a poorly conserved position in the protein, it is predicted to be benign by multiple in silico algorithms, and/or has population frequency not consistent with disease.

Breakthrough Genomics
Classification: Benign. Review status: criteria provided, single submitter. Criteria: ACMG Guidelines, 2015. Collection method: not provided. Allele origin: germline. Inheritance: Autosomal dominant inheritance. Affected: yes.

NM_000719.7(CACNA1C):c.4624-331A>G

Genes: CACNA1C (calcium voltage-gated channel subunit alpha1 C; plus strand), CACNA1C-AS2 (CACNA1C antisense RNA 2; minus strand). Cytogenetic location: 12p13.33.
Variant type: single nucleotide variant.
Coding change: c.4624-331A>G on transcript NM_000719.7 (MANE Select); 331 bases into the intron before coding-DNA position 4624, A replaced by G.
Molecular consequence: intron variant. On other transcripts: non-coding transcript variant (1).
Genome position (GRCh38, 1-based): chr12:2,668,602, A>G. VCF-style: chr12-2668602-A-G. GRCh37 (hg19) VCF-style: chr12-2777768-A-G.
Other names: c.4624-331A>G (NM_001167624.3, NM_001167623.2, NM_001129840.2 and 7 more transcripts); c.4591-331A>G (NM_001167625.2, NM_001129837.2, NM_001129838.2 and 1 more transcripts); c.4768-331A>G (NM_199460.4, NM_001129827.2); c.4684-331A>G (NM_001129832.2); c.4708-331A>G (NM_001129831.2); c.4690-331A>G (NM_001129829.2); c.4585-331A>G (NM_001129839.2); c.4675-331A>G (NM_001129836.2); and 1 more.
Identifiers: ClinVar variation 673266 (VCV000673266.2), dbSNP rs6489375, ClinGen allele CA13577138.
Genomic context (GRCh38, chr12:2,668,602, plus strand): 5'-GGCTGTACAGGAAGCATGGCACTAGCATTCTGCTTCTGGGGAGGCCTCAGGAAGCTTCCA[A>G]TCAATCATGGTGGAAGGCAAAGGGGAGGCAGGTACGTCACATGGACAGACAGGGAGCAAG-3'